The following is an entry in ClinVar:

ClinVar aggregate classification (germline): Uncertain significance (1 of 4 stars; one submission).

Conditions:
Amyotrophic lateral sclerosis type 10 (ALS10). Also called: Amyotrophic lateral sclerosis 10, with or without FTD; AMYOTROPHIC LATERAL SCLEROSIS 10 WITHOUT FRONTOTEMPORAL DEMENTIA AND WITH TDP43 INCLUSIONS; AMYOTROPHIC LATERAL SCLEROSIS 10 WITH OR WITHOUT FRONTOTEMPORAL DEMENTIA AND WITH TDP43 INCLUSIONS; AMYOTROPHIC LATERAL SCLEROSIS 10 WITH OR WITHOUT FRONTOTEMPORAL DEMENTIA; TARDBP-Related Amyotrophic Lateral Sclerosis-Frontotemporal Dementia. Identifiers: Orphanet 275872, Orphanet 803, MedGen C2677565, MONDO:0012790, OMIM 612069.
FRONTOTEMPORAL LOBAR DEGENERATION WITH TDP43 INCLUSIONS, TARDBP-RELATED. Also called: Frontotemporal lobar degeneration, TARDBP-related. Identifiers: MedGen C3150169, OMIM 612069.

Submission:

Labcorp Genetics (formerly Invitae), Labcorp
Classification: Uncertain significance for Amyotrophic lateral sclerosis type 10; FRONTOTEMPORAL LOBAR DEGENERATION WITH TDP43 INCLUSIONS, TARDBP-RELATED. Last evaluated: 2025-12-21. Review status: criteria provided, single submitter. Criteria: Invitae Variant Classification Sherloc (09022015). Collection method: clinical testing. Allele origin: germline.
Comment: This sequence change replaces proline, which is neutral and non-polar, with arginine, which is basic and polar, at codon 363 of the TARDBP protein (p.Pro363Arg). This variant is not present in population databases (gnomAD no frequency). This variant has not been reported in the literature in individuals affected with TARDBP-related conditions. An algorithm developed to predict the effect of missense changes on protein structure and function (PolyPhen-2) suggests that this variant is likely to be tolerated. In summary, the available evidence is currently insufficient to determine the role of this variant in disease. Therefore, it has been classified as a Variant of Uncertain Significance.

NM_007375.4(TARDBP):c.1088C>G (p.Pro363Arg)

Gene: TARDBP (TAR DNA binding protein; plus strand). Cytogenetic location: 1p36.22.
Variant type: single nucleotide variant.
Coding change: c.1088C>G on transcript NM_007375.4 (MANE Select); coding-DNA position 1088, C replaced by G.
Protein change: p.Pro363Arg; replaces proline 363 with arginine.
Molecular consequence: missense variant.
Genome position (GRCh38, 1-based): chr1:11,022,497, C>G. VCF-style: chr1-11022497-C-G. GRCh37 (hg19) VCF-style: chr1-11082554-C-G.
Other names: short protein forms P363R.
Identifiers: ClinVar variation 4785673 (VCV004785673.1).